The following is an entry in ClinVar:

ClinVar aggregate classification (germline): Pathogenic/Likely pathogenic. Review status: criteria provided, multiple submitters, no conflicts (2 of 4 stars). 8 submissions from 8 submitters: Pathogenic (6); Likely pathogenic (2). Last evaluated 2026-02-17.

Conditions:
OCA2-related disorder. Also called: OCA2-related condition.
Tyrosinase-positive oculocutaneous albinism (OCA2). Also called: ALBINISM II; Oculocutaneous albinism type 2; Albinism, oculocutaneous, type II. Identifiers: Orphanet 79432, MedGen C0268495, MONDO:0008746, OMIM 203200.
SKIN/HAIR/EYE PIGMENTATION 1, BLUE/NONBLUE EYES (SHEP1). Also called: BROWN EYE COLOR 2; HAIR COLOR 3; EYE COLOR 3; EYE COLOR, BLUE/NONBLUE; EYE COLOR, BROWN/BLUE; SKIN/HAIR/EYE PIGMENTATION 1, BLOND/BROWN HAIR. Identifiers: MedGen C1856895, OMIM 227220.

Allele frequency attached by ClinVar (database versions not stated): TOPMed 0.00001.

Submissions (8):

PreventionGenetics, part of Exact Sciences
Classification: Pathogenic for OCA2-related condition. Last evaluated: 2026-02-17. Review status: criteria provided, single submitter. Criteria: ACMG Guidelines, 2015. Collection method: clinical testing. Allele origin: germline.
Comment: The OCA2 c.2324G>A variant is predicted to result in the amino acid substitution p.Gly775Asp. This variant has been reported in the homozygous and compound heterozygous states in individuals with oculocutaneous albinism (Johanson et al. 2010. PubMed ID: 20019752; Michaud et al. 2023. PubMed ID: 37650133). Alternate substitutions of this amino acid residue (p.Gly775Arg and p.Gly775Ser) have also been reported in individuals with oculocutaneous albinism (Table S1, Wei et al. 2021. PubMed ID: 34838614; Preising et al. 2011. PubMed ID: 21541274). This variant is absent in a large population database (gnomAD), indicating this variant is rare. This variant is interpreted as pathogenic.

Fulgent Genetics
Classification: Pathogenic for Tyrosinase-positive oculocutaneous albinism; SKIN/HAIR/EYE PIGMENTATION 1, BLUE/NONBLUE EYES. Last evaluated: 2024-05-08. Review status: criteria provided, single submitter. Criteria: ACMG Guidelines, 2015. Collection method: clinical testing. Allele origin: germline.

Blueprint Genetics
Classification: Pathogenic for OCA2-related disorders. Last evaluated: 2024-05-03. Review status: criteria provided, single submitter. Criteria: ACMG Guidelines, 2015. Collection method: clinical testing. Allele origin: germline. Affected: yes. Observed: 5 variant alleles.

GeneDx
Classification: Likely pathogenic. Last evaluated: 2024-03-19. Review status: criteria provided, single submitter. Criteria: GeneDx Variant Classification Process June 2021. Collection method: clinical testing. Allele origin: germline. Affected: yes.
Comment: Not observed at significant frequency in large population cohorts (gnomAD); In silico analysis supports that this missense variant has a deleterious effect on protein structure/function; This variant is associated with the following publications: (PMID: 29345414, 37650133, 35870188, 20019752)

Baylor Genetics
Classification: Pathogenic for SKIN/HAIR/EYE PIGMENTATION 1, BLUE/NONBLUE EYES. Last evaluated: 2024-03-11. Review status: criteria provided, single submitter. Criteria: ACMG Guidelines, 2015. Collection method: clinical testing. Allele origin: unknown.

Labcorp Genetics (formerly Invitae), Labcorp
Classification: Pathogenic. Last evaluated: 2024-02-18. Review status: criteria provided, single submitter. Criteria: Invitae Variant Classification Sherloc (09022015). Collection method: clinical testing. Allele origin: germline.
Comment: This sequence change replaces glycine, which is neutral and non-polar, with aspartic acid, which is acidic and polar, at codon 775 of the OCA2 protein (p.Gly775Asp). This variant is not present in population databases (gnomAD no frequency). This missense change has been observed in individuals with oculocutaneous albinism (PMID: 20019752). ClinVar contains an entry for this variant (Variation ID: 845735). Advanced modeling of protein sequence and biophysical properties (such as structural, functional, and spatial information, amino acid conservation, physicochemical variation, residue mobility, and thermodynamic stability) performed at Invitae indicates that this missense variant is expected to disrupt OCA2 protein function with a positive predictive value of 80%. This variant disrupts the p.Gly775 amino acid residue in OCA2. Other variant(s) that disrupt this residue have been observed in individuals with OCA2-related conditions (PMID: 17385796, 18683130), which suggests that this may be a clinically significant amino acid residue. For these reasons, this variant has been classified as Pathogenic.

Genetic Services Laboratory, University of Chicago
Classification: Pathogenic. Last evaluated: 2020-04-13. Review status: criteria provided, single submitter. Criteria: ACMG Guidelines, 2015. Collection method: clinical testing. Allele origin: germline. Affected: yes.
Comment: DNA sequence analysis of the OCA2 gene demonstrated a homozygous sequence change, c.2324G>A, in exon 22 that results in an amino acid change, p.Gly775Asp. This sequence change is absent from known population databases (gnomAD). The p.Gly775Asp change affects a highly conserved amino acid residue located in a domain of the OCA2 protein that is known to be functional. The p.Gly775Asp substitution appears to be deleterious using several in-silico pathogenicity prediction tools (SIFT, PolyPhen2, REVEL). This sequence change has been previously reported in the homozygous state in more than 12 individuals with ocular albinism, all of whom originated from the South Pacific region. The authors suggested that this sequence change may be a √¢‚Ç¨≈ìPolynesian Islander-√¢‚Ç¨¬ù specific mutation√¢‚Ç¨¬ù (PMID: 20019752). Furthermore, other amino acid changes at this same positon (p.Gly77Ser, p.Gly775Arg) have also been reported in patients with ocular albinism (PMIDs: 18683130, 21541274, 17385796). We interpret this sequence change as pathogenic.

Laboratoire de Génétique Moléculaire, CHU Bordeaux
Classification: Likely pathogenic for Tyrosinase-positive oculocutaneous albinism. Review status: criteria provided, single submitter. Criteria: ACMG Guidelines, 2015. Collection method: clinical testing. Allele origin: germline. Affected: yes.

Literature cited by the submitters: PubMed 20019752 (cited by Labcorp Genetics (formerly Invitae), Labcorp); PubMed 17385796 (cited by Labcorp Genetics (formerly Invitae), Labcorp); PubMed 18683130 (cited by Labcorp Genetics (formerly Invitae), Labcorp).

NM_000275.3(OCA2):c.2324G>A (p.Gly775Asp)

Gene: OCA2 (OCA2 melanosomal transmembrane protein; minus strand). Cytogenetic location: 15q13.1.
Variant type: single nucleotide variant.
Coding change: c.2324G>A on transcript NM_000275.3 (MANE Select); coding-DNA position 2324, G replaced by A.
Protein change: p.Gly775Asp; replaces glycine 775 with aspartic acid.
Molecular consequence: missense variant.
Genome position (GRCh38, 1-based): chr15:27,851,396, C>T on the plus strand (G>A on the coding strand, the complement: OCA2 is on the minus strand). VCF-style: chr15-27851396-C-T. GRCh37 (hg19) VCF-style: chr15-28096542-C-T.
Other names: c.2252G>A, p.Gly751Asp (NM_001300984.2); short protein forms G751D, G775D.
Identifiers: ClinVar variation 845735 (VCV000845735.20), dbSNP rs987780496, ClinGen allele CA267845036.